The following is an entry in ClinVar:

ClinVar aggregate classification (germline): Uncertain significance (1 of 4 stars; one submission).

Conditions:
Hereditary breast ovarian cancer syndrome. Also called: Hereditary breast and ovarian cancer syndrome; Hereditary breast and ovarian cancer syndrome (HBOC); BRCA1- and BRCA2-Associated Hereditary Breast and Ovarian Cancer; Hereditary breast and ovarian cancer; Breast and ovarian cancer; Hereditary breast and/or ovarian cancer syndrome. Identifiers: Orphanet 145, MedGen C0677776, MeSH D061325, MONDO:0003582. Disease mechanism: loss of function.

Submission:

Labcorp Genetics (formerly Invitae), Labcorp
Classification: Uncertain significance for Hereditary breast ovarian cancer syndrome. Last evaluated: 2024-05-22. Review status: criteria provided, single submitter. Criteria: Invitae Variant Classification Sherloc (09022015). Collection method: clinical testing. Allele origin: germline.
Comment: This sequence change replaces methionine, which is neutral and non-polar, with arginine, which is basic and polar, at codon 669 of the BRCA1 protein (p.Met669Arg). This variant is not present in population databases (gnomAD no frequency). This variant has not been reported in the literature in individuals affected with BRCA1-related conditions. Advanced modeling of protein sequence and biophysical properties (such as structural, functional, and spatial information, amino acid conservation, physicochemical variation, residue mobility, and thermodynamic stability) performed at Invitae indicates that this missense variant is not expected to disrupt BRCA1 protein function with a negative predictive value of 95%. In summary, the available evidence is currently insufficient to determine the role of this variant in disease. Therefore, it has been classified as a Variant of Uncertain Significance.

NM_007294.4(BRCA1):c.2006T>G (p.Met669Arg)

Gene: BRCA1 (BRCA1 DNA repair associated; minus strand). Cytogenetic location: 17q21.31.
Variant type: single nucleotide variant.
Coding change: c.2006T>G on transcript NM_007294.4 (MANE Select); coding-DNA position 2006, T replaced by G.
Protein change: p.Met669Arg; replaces methionine 669 with arginine.
Molecular consequence: missense variant. On other transcripts: intron variant (137).
Genome position (GRCh38, 1-based): chr17:43,093,525, A>C on the plus strand (T>G on the coding strand, the complement: BRCA1 is on the minus strand). VCF-style: chr17-43093525-A-C. GRCh37 (hg19) VCF-style: chr17-41245542-A-C.
Other names: c.1742T>G, p.Met581Arg (NM_001407925.1, NM_001407927.1, NM_001407926.1 and 9 more transcripts); c.1739T>G, p.Met580Arg (NM_001407930.1, NM_001407931.1, NM_001407932.1 and 2 more transcripts); c.1883T>G, p.Met628Arg (NM_001407937.1, NM_001407938.1, NM_001407939.1 and 19 more transcripts); c.1880T>G, p.Met627Arg (NM_001407940.1, NM_001407941.1, NM_001407649.1 and 11 more transcripts); c.1865T>G, p.Met622Arg (NM_001407942.1, NM_001407944.1, NM_001407945.1 and 29 more transcripts); c.1862T>G, p.Met621Arg (NM_001407943.1, NM_001407964.1, NM_001407740.1 and 20 more transcripts); c.1673T>G, p.Met558Arg (NM_001407946.1, NM_001407947.1, NM_001407948.1 and 6 more transcripts); c.1670T>G, p.Met557Arg (NM_001407954.1, NM_001407955.1, NM_001407956.1 and 1 more transcripts); and 40 more; short protein forms M373R, M541R, M581R, M599R, M602R, M621R, M628R, M668R.
Identifiers: ClinVar variation 3634676 (VCV003634676.2).
Genomic context (GRCh38, chr17:43,093,525, plus strand): 5'-CTTGTCTGTTCATTTGGCTTGTTACTCTTCTTGGCTCCAGTTGCAGGTTCTTTACCTTCC[A>C]TGAGTTGTAGGTTTCTGCTGTGCCTGACTGGCATTTGGTTGTACTTTTTTTTCTTTATCT-3'
Protein context (NP_009225.1, residues 659-679): PVRHSRNLQL[Met669Arg]EGKEPATGAK